The following is an entry in ClinVar:

ClinVar aggregate classification (germline): Pathogenic/Likely pathogenic. Review status: criteria provided, multiple submitters, no conflicts (2 of 4 stars). 3 submissions from 3 submitters: Pathogenic (2); Likely pathogenic (1). Last evaluated 2025-09-24.

Conditions:
Cardiomyopathy, familial hypertrophic 27. Identifiers: MedGen C4748014, MONDO:0054838, OMIM 618052.
Cardiovascular phenotype. Identifiers: MedGen CN230736.

Allele frequency attached by ClinVar (database versions not stated): TOPMed 0.00003.

Submissions (3):

Ambry Genetics
Classification: Pathogenic for Cardiovascular phenotype. Last evaluated: 2025-09-24. Review status: criteria provided, single submitter. Criteria: Ambry Variant Classification Scheme 2023. Collection method: clinical testing. Allele origin: germline.
Comment: The c.2044delA pathogenic mutation, located in coding exon 5 of the ALPK3 gene, results from a deletion of one nucleotide at nucleotide position 2044, causing a translational frameshift with a predicted alternate stop codon (p.R682Efs*23). This variant was reported in individual(s) with features consistent with hypertrophic cardiomyopathy (Ader F et al. Clin Genet, 2024 Jun;105:676-682; Ambry internal data). Note, this variant is also referred to as NM_020778.5:c.1438del, p.Arg480Glufs*23 in the literature. This variant is considered to be rare based on population cohorts in the Genome Aggregation Database (gnomAD). This alteration is expected to result in loss of function by premature protein truncation or nonsense-mediated mRNA decay. As such, this alteration is interpreted as a disease-causing mutation.

Variantyx, Inc.
Classification: Likely pathogenic for Cardiomyopathy, familial hypertrophic 27. Last evaluated: 2025-03-10. Review status: criteria provided, single submitter. Criteria: Variantyx Assertion Criteria 2022. Collection method: clinical testing. Allele origin: germline. Inheritance: Autosomal dominant inheritance. Affected: yes.
Comment: This is a frameshift variant in the ALPK3 gene (OMIM: 617608). Pathogenic variants in this gene have been associated with autosomal dominant familial hypertrophic cardiomyopathy 27. The alteration introduces a premature termination codon in exon 5 out of 14 and is expected to result in loss of function, which is a known disease mechanism for ALPK3 in this disorder (PMID: 34263907, 36321451) (PVS1). This variant is absent from control populations (PM2). Based on the current evidence, this variant is classified as likely pathogenic for autosomal dominant familial hypertrophic cardiomyopathy 27.

Labcorp Genetics (formerly Invitae), Labcorp
Classification: Pathogenic. Last evaluated: 2024-04-01. Review status: criteria provided, single submitter. Criteria: Invitae Variant Classification Sherloc (09022015). Collection method: clinical testing. Allele origin: germline.
Comment: This sequence change creates a premature translational stop signal (p.Arg682Glufs*23) in the ALPK3 gene. It is expected to result in an absent or disrupted protein product. Loss-of-function variants in ALPK3 are known to be pathogenic (PMID: 21441111, 26846950, 27106955, 34263907). This variant is not present in population databases (gnomAD no frequency). This variant has not been reported in the literature in individuals affected with ALPK3-related conditions. ClinVar contains an entry for this variant (Variation ID: 1455524). For these reasons, this variant has been classified as Pathogenic.

Literature cited by the submitters: PubMed 38356193 (cited by Ambry Genetics); PubMed 34263907 (cited by Variantyx, Inc. and Labcorp Genetics (formerly Invitae), Labcorp); PubMed 36321451 (cited by Variantyx, Inc.); PubMed 21441111 (cited by Labcorp Genetics (formerly Invitae), Labcorp); PubMed 26846950 (cited by Labcorp Genetics (formerly Invitae), Labcorp); PubMed 27106955 (cited by Labcorp Genetics (formerly Invitae), Labcorp).

NM_020778.5(ALPK3):c.1438del (p.Arg480fs)

Gene: ALPK3 (alpha kinase 3; plus strand). Cytogenetic location: 15q25.3.
Variant type: Deletion.
Coding change: c.1438del on transcript NM_020778.5 (MANE Select); coding-DNA position 1438, one base deleted (A; older notation c.1438delA).
Protein change: p.Arg480fs; shifts the reading frame from arginine 480.
Molecular consequence: frameshift variant.
Genome position (GRCh38, 1-based): chr15:84,840,717, A deleted. VCF-style (leftmost placement, unchanged base first): chr15-84840716-CA-C. GRCh37 (hg19) VCF-style: chr15-85383947-CA-C.
Other names: short protein forms R480fs.
Identifiers: ClinVar variation 1455524 (VCV001455524.10), dbSNP rs1963653131, ClinGen allele CA2192368456.